The following is an entry in ClinVar:

NM_001130144.3(LTBP3):c.3841C>G (p.Arg1281Gly)

Gene: LTBP3 (latent transforming growth factor beta binding protein 3; minus strand). Cytogenetic location: 11q13.1.
Variant type: single nucleotide variant.
Coding change: c.3841C>G on transcript NM_001130144.3 (MANE Select); coding-DNA position 3841, C replaced by G.
Protein change: p.Arg1281Gly; replaces arginine 1281 with glycine.
Molecular consequence: missense variant.
Genome position (GRCh38, 1-based): chr11:65,539,151, G>C on the plus strand (C>G on the coding strand, the complement: LTBP3 is on the minus strand). VCF-style: chr11-65539151-G-C. GRCh37 (hg19) VCF-style: chr11-65306622-G-C.
Other names: c.3349C>G, p.Arg1117Gly (NM_001164266.1); c.3700C>G, p.Arg1234Gly (NM_021070.4); short protein forms R1281G, R1117G, R1234G.
Identifiers: ClinVar variation 1393990 (VCV001393990.10), dbSNP rs766976554, ClinGen allele CA6100174.

ClinVar aggregate classification (germline): Uncertain significance. Review status: criteria provided, multiple submitters, no conflicts (2 of 4 stars). 2 submissions from 2 submitters: Uncertain significance (2). Last evaluated 2026-01-07.

Conditions:
Inborn genetic diseases. Identifiers: MedGen C0950123, MeSH D030342.
Brachyolmia-amelogenesis imperfecta syndrome. Also called: PLATYSPONDYLY WITH AMELOGENESIS IMPERFECTA; Tooth agenesis, selective, 6; Dental anomalies and short stature. Identifiers: Orphanet 2899, MedGen C1832594, MONDO:0011018, OMIM 601216. Disease mechanism: loss of function.

Allele frequency attached by ClinVar (database versions not stated): TOPMed 0.00012; gnomAD 0.00014.
gnomAD v4.1: 187 of 1,496,648 alleles (0.012%); highest among the groups gnomAD compares: Non-Finnish European, 0.013%; no homozygotes.

Submissions (2):

Labcorp Genetics (formerly Invitae), Labcorp
Classification: Uncertain significance for Brachyolmia-amelogenesis imperfecta syndrome. Last evaluated: 2026-01-07. Review status: criteria provided, single submitter. Criteria: Invitae Variant Classification Sherloc (09022015). Collection method: clinical testing. Allele origin: germline.
Comment: This sequence change replaces arginine, which is basic and polar, with glycine, which is neutral and non-polar, at codon 1281 of the LTBP3 protein (p.Arg1281Gly). This variant is present in population databases (rs766976554, gnomAD 0.08%). This variant has not been reported in the literature in individuals affected with LTBP3-related conditions. ClinVar contains an entry for this variant (Variation ID: 1393990). An algorithm developed to predict the effect of missense changes on protein structure and function (PolyPhen-2) suggests that this variant is likely to be disruptive. In summary, the available evidence is currently insufficient to determine the role of this variant in disease. Therefore, it has been classified as a Variant of Uncertain Significance.

Ambry Genetics
Classification: Uncertain significance for Inborn genetic diseases. Last evaluated: 2022-04-28. Review status: criteria provided, single submitter. Criteria: Ambry Variant Classification Scheme 2023. Collection method: clinical testing. Allele origin: germline.